The following is an entry in ClinVar:

NM_000096.4(CP):c.1908G>A (p.Met636Ile)

Gene: CP (ceruloplasmin; minus strand). Cytogenetic location: 3q24.
Variant type: single nucleotide variant.
Coding change: c.1908G>A on transcript NM_000096.4 (MANE Select); coding-DNA position 1908, G replaced by A.
Protein change: p.Met636Ile; replaces methionine 636 with isoleucine.
Molecular consequence: missense variant.
Genome position (GRCh38, 1-based): chr3:149,186,689, C>T on the plus strand (G>A on the coding strand, the complement: CP is on the minus strand). VCF-style: chr3-149186689-C-T. GRCh37 (hg19) VCF-style: chr3-148904476-C-T.
Other names: short protein forms M636I.
Identifiers: ClinVar variation 1061347 (VCV001061347.9), dbSNP rs2108240139, ClinGen allele CA354932630.

ClinVar aggregate classification (germline): Uncertain significance (1 of 4 stars; one submission).

Conditions:
Deficiency of ferroxidase (ACEP). Also called: Aceruloplasminemia; Deficiency of ceruloplasmin; NEURODEGENERATION WITH BRAIN IRON ACCUMULATION 10; Ceruloplasmin deficiency; Familial apoceruloplasmin deficiency; Hereditary ceruloplasmin deficiency. Identifiers: Orphanet 48818, MedGen C0878682, MONDO:0011426, OMIM 604290, HP:0025498.

Allele frequency attached by ClinVar (database versions not stated): gnomAD exomes below 0.00001.
gnomAD v4.1: 1 of 1,614,180 alleles (0.000062%); highest among the groups gnomAD compares: Non-Finnish European, 0.000085%; no homozygotes.

Submission:

Labcorp Genetics (formerly Invitae), Labcorp
Classification: Uncertain significance for Deficiency of ferroxidase. Last evaluated: 2020-08-20. Review status: criteria provided, single submitter. Criteria: Invitae Variant Classification Sherloc (09022015). Collection method: clinical testing. Allele origin: germline.
Comment: This sequence change replaces methionine with isoleucine at codon 636 of the CP protein (p.Met636Ile). The methionine residue is highly conserved and there is a small physicochemical difference between methionine and isoleucine. This variant is not present in population databases (ExAC no frequency). This variant has not been reported in the literature in individuals with CP-related disease. Algorithms developed to predict the effect of missense changes on protein structure and function do not agree on the potential impact of this missense change (SIFT: "Deleterious"; PolyPhen-2: "Possibly Damaging"; Align-GVGD: "Class C0"). In summary, the available evidence is currently insufficient to determine the role of this variant in disease. Therefore, it has been classified as a Variant of Uncertain Significance.